The following is an entry in ClinVar:

ClinVar aggregate classification (germline): Uncertain significance (1 of 4 stars; one submission).

Submission:

Women's Health and Genetics/Laboratory Corporation of America, LabCorp
Classification: Uncertain significance. Last evaluated: 2023-10-18. Review status: criteria provided, single submitter. Criteria: LabCorp Variant Classification Summary - May 2015. Collection method: clinical testing. Allele origin: germline.
Comment: Variant summary: DHX30 c.441_442delinsGA (p.Ser148Thr) results in a conservative amino acid change in the encoded protein sequence. Five of five in-silico tools predict a benign effect of the variant on protein function. The variant allele was found at a frequency of 4e-06 in 251410 control chromosomes (gnomAD). The available data on variant occurrences in the general population are insufficient to allow any conclusion about variant significance. To our knowledge, no occurrence of c.441_442delinsGA in individuals affected with Neurodevelopmental Disorder With Severe Motor Impairment And Absent Language and no experimental evidence demonstrating its impact on protein function have been reported. No submitters have cited clinical-significance assessments for this variant to ClinVar after 2014. Based on the evidence outlined above, the variant was classified as uncertain significance.

NM_138615.3(DHX30):c.441_442delinsGA (p.Ser148Thr)

Gene: DHX30 (DExH-box helicase 30; plus strand). Cytogenetic location: 3p21.31.
Variant type: Indel.
Coding change: c.441_442delinsGA on transcript NM_138615.3 (MANE Select); coding-DNA positions 441 to 442, CT replaced by GA.
Protein change: p.Ser148Thr; replaces serine 148 with threonine.
Molecular consequence: missense variant.
Genome position (GRCh38, 1-based): chr3:47,840,951-47,840,952, CT replaced by GA. VCF-style: chr3-47840951-CT-GA. GRCh37 (hg19) VCF-style: chr3-47882441-CT-GA.
Other names: c.357_358delinsGA, p.Ser120Thr (NM_001330990.2); c.324_325delinsGA, p.Ser109Thr (NM_014966.4); short protein forms S109T, S120T, S148T.
Identifiers: ClinVar variation 2637812 (VCV002637812.1), dbSNP rs2549282888, ClinGen allele CA2695197897.